The following is an entry in ClinVar:

ClinVar aggregate classification (germline): Uncertain significance (1 of 4 stars; one submission).

Conditions:
Limb-girdle muscular dystrophy due to POMK deficiency. Also called: Muscular dystrophy-dystroglycanopathy (limb-girdle), type c, 12; MUSCULAR DYSTROPHY-DYSTROGLYCANOPATHY, LIMB-GIRDLE, POMK-RELATED. Identifiers: Orphanet 445110, MedGen C4015184, MONDO:0014489, OMIM 616094.
Muscular dystrophy-dystroglycanopathy (congenital with brain and eye anomalies), type a, 12 (MDDGA12). Also called: WALKER-WARBURG SYNDROME OR MUSCLE-EYE-BRAIN DISEASE, POMK-RELATED. Identifiers: Orphanet 899, MedGen C3808964, MONDO:0014101, OMIM 615249.

Submission:

Labcorp Genetics (formerly Invitae), Labcorp
Classification: Uncertain significance for Muscular dystrophy-dystroglycanopathy (congenital with brain and eye anomalies), type a, 12; Limb-girdle muscular dystrophy due to POMK deficiency. Last evaluated: 2020-10-15. Review status: criteria provided, single submitter. Criteria: Invitae Variant Classification Sherloc (09022015). Collection method: clinical testing. Allele origin: germline.
Comment: In summary, the available evidence is currently insufficient to determine the role of this variant in disease. Therefore, it has been classified as a Variant of Uncertain Significance. Algorithms developed to predict the effect of missense changes on protein structure and function (SIFT, PolyPhen-2, Align-GVGD) all suggest that this variant is likely to be tolerated, but these predictions have not been confirmed by published functional studies and their clinical significance is uncertain. This variant has not been reported in the literature in individuals with POMK-related conditions. This variant is not present in population databases (ExAC no frequency). This sequence change replaces arginine with glycine at codon 10 of the POMK protein (p.Arg10Gly). The arginine residue is weakly conserved and there is a moderate physicochemical difference between arginine and glycine.

NM_032237.5(POMK):c.28A>G (p.Arg10Gly)

Gene: POMK (protein O-mannose kinase; plus strand). Cytogenetic location: 8p11.21.
Variant type: single nucleotide variant.
Coding change: c.28A>G on transcript NM_032237.5 (MANE Select); coding-DNA position 28, A replaced by G.
Protein change: p.Arg10Gly; replaces arginine 10 with glycine.
Molecular consequence: missense variant.
Genome position (GRCh38, 1-based): chr8:43,103,576, A>G. VCF-style: chr8-43103576-A-G. GRCh37 (hg19) VCF-style: chr8-42958719-A-G.
Other names: c.28A>G, p.Arg10Gly (NM_001277971.2); short protein forms R10G.
Identifiers: ClinVar variation 1009402 (VCV001009402.5), dbSNP rs1811485587, ClinGen allele CA371116609.
Genomic context (GRCh38, chr8:43,103,576, plus strand): 5'-TGTGTATTTTAGGAAATTGCAGAGGCCGTCAACATGGAAAAGCAGCCCCAGAACAGCAGG[A>G]GAGGCCTCGCCCCCCGAGAGGTGCCGCCAGCTGTTGGGCTGCTGCTGATCATGGCCCTGA-3'
Protein context (NP_115613.1, residues 1-20): MEKQPQNSR[Arg10Gly]GLAPREVPPA